The following is an entry in ClinVar:

ClinVar aggregate classification (germline): Pathogenic. Review status: reviewed by expert panel (3 of 4 stars). 3 submissions from 3 submitters: Pathogenic (1). 2 of the submissions do not count toward it. Last evaluated 2016-10-18.

Conditions:
Breast-ovarian cancer, familial, susceptibility to, 1 (BROVCA1). Also called: BRCA1 Hereditary Breast and Ovarian Cancer; OVARIAN CANCER, SUSCEPTIBILITY TO. Identifiers: Orphanet 145, MedGen C2676676, MONDO:0011450, OMIM 604370. Disease mechanism: loss of function.

Submissions (4):

Evidence-based Network for the Interpretation of Germline Mutant Alleles (ENIGMA)
Classification: Pathogenic for Breast-ovarian cancer, familial, susceptibility to, 1. Last evaluated: 2016-10-18. Review status: reviewed by expert panel. Criteria: ENIGMA BRCA1/2 Classification Criteria (2015). Collection method: curation. Allele origin: germline.
Comment: Variant allele predicted to encode a truncated non-functional protein.

Myriad Genetics, Inc.
Classification: Pathogenic for Breast-ovarian cancer, familial, susceptibility to, 1. Last evaluated: 2023-08-14. Review status: criteria provided, single submitter. Criteria: Myriad Autosomal Dominant, Autosomal Recessive and X-Linked Classification Criteria (2023). Collection method: clinical testing. Allele origin: unknown. Not counted in ClinVar's aggregate classification.
Comment: This variant is considered pathogenic. This variant creates a termination codon and is predicted to result in premature protein truncation.

Consortium of Investigators of Modifiers of BRCA1/2 (CIMBA), c/o University of Cambridge
Classification: Pathogenic for Breast-ovarian cancer, familial, susceptibility to, 1. Last evaluated: 2015-10-02. Review status: criteria provided, single submitter. Criteria: CIMBA Mutation Classification guidelines May 2016. Collection method: clinical testing. Allele origin: germline. Not counted in ClinVar's aggregate classification.

Brotman Baty Institute, University of Washington
No classification provided (evidence only). Condition: Breast-ovarian cancer, familial 1. Review status: no classification provided. Collection method: in vitro. Allele origin: not applicable. Functional consequence: functionally_abnormal. Not counted in ClinVar's aggregate classification.
ClinVar note: "not provided" was previously submitted as the classification for the variant. However, the classification appeared to be based only on an observation of functional data so it was converted to no classification on 2025-07-30.

NM_007294.4(BRCA1):c.176C>A (p.Ser59Ter)

Gene: BRCA1 (BRCA1 DNA repair associated; minus strand). Cytogenetic location: 17q21.31.
Variant type: single nucleotide variant.
Coding change: c.176C>A on transcript NM_007294.4 (MANE Select); coding-DNA position 176, C replaced by A.
Protein change: p.Ser59Ter; replaces serine 59 with a stop codon.
Molecular consequence: nonsense. On other transcripts: non-coding transcript variant (1).
Genome position (GRCh38, 1-based): chr17:43,106,492, G>T on the plus strand (C>A on the coding strand, the complement: BRCA1 is on the minus strand). VCF-style: chr17-43106492-G-T. GRCh37 (hg19) VCF-style: chr17-41258509-G-T.
Other names: 295C>A Ser59ter; c.176C>A, p.Ser59Ter (NM_001407644.1, NM_001407645.1, NM_001407646.1 and 168 more transcripts); c.35C>A, p.Ser12Ter (NM_001407692.1, NM_001407694.1, NM_001407695.1 and 99 more transcripts); c.-13C>A (NM_001407853.1, NM_001407879.1, NM_001407881.1 and 58 more transcripts); short protein forms S59*, S12*.
Identifiers: ClinVar variation 266186 (VCV000266186.9), dbSNP rs199522616, ClinGen allele CA10590034.